The following is an entry in ClinVar:

ClinVar aggregate classification (germline): Uncertain significance (1 of 4 stars; one submission).

Conditions:
Supravalvar aortic stenosis (SVAS). Also called: Supravalvar aortic stenosis, Eisenberg type. Identifiers: Orphanet 3193, MedGen C0003499, MONDO:0008504, OMIM 185500, HP:0004381.

gnomAD v4.1: 5 of 1,613,926 alleles (0.00031%); highest among the groups gnomAD compares: Non-Finnish European, 0.00042%; no homozygotes.

Submission:

Labcorp Genetics (formerly Invitae), Labcorp
Classification: Uncertain significance for Supravalvar aortic stenosis. Last evaluated: 2024-09-21. Review status: criteria provided, single submitter. Criteria: Invitae Variant Classification Sherloc (09022015). Collection method: clinical testing. Allele origin: germline.
Comment: This sequence change replaces alanine, which is neutral and non-polar, with glycine, which is neutral and non-polar, at codon 487 of the ELN protein (p.Ala487Gly). This variant is present in population databases (no rsID available, gnomAD 0.0009%). This variant has not been reported in the literature in individuals affected with ELN-related conditions. Invitae Evidence Modeling of protein sequence and biophysical properties (such as structural, functional, and spatial information, amino acid conservation, physicochemical variation, residue mobility, and thermodynamic stability) indicates that this missense variant is not expected to disrupt ELN protein function with a negative predictive value of 80%. In summary, the available evidence is currently insufficient to determine the role of this variant in disease. Therefore, it has been classified as a Variant of Uncertain Significance.

NM_000501.4(ELN):c.1373C>G (p.Ala458Gly)

Gene: ELN (elastin; plus strand). Cytogenetic location: 7q11.23.
Variant type: single nucleotide variant.
Coding change: c.1373C>G on transcript NM_000501.4 (MANE Select); coding-DNA position 1373, C replaced by G.
Protein change: p.Ala458Gly; replaces alanine 458 with glycine.
Molecular consequence: missense variant. On other transcripts: intron variant (7).
Genome position (GRCh38, 1-based): chr7:74,057,655, C>G. VCF-style: chr7-74057655-C-G. GRCh37 (hg19) VCF-style: chr7-73471985-C-G.
Other names: c.1388C>G, p.Ala463Gly (NM_001081754.3); c.1373C>G, p.Ala458Gly (NM_001278912.2, NM_001278915.2); c.1343C>G, p.Ala448Gly (NM_001278917.2); c.1460C>G, p.Ala487Gly (NM_001278939.2); c.1372+942C>G (NM_001081753.3); c.1357+942C>G (NM_001081755.3); c.1315+942C>G (NM_001278916.2); c.1171+942C>G (NM_001278913.2); and 3 more; short protein forms A448G, A458G, A463G, A487G.
Identifiers: ClinVar variation 3627218 (VCV003627218.2).